The following is an entry in ClinVar:

ClinVar aggregate classification (germline): Likely pathogenic (1 of 4 stars; one submission).

Submission:

GeneDx
Classification: Likely pathogenic. Last evaluated: 2016-08-23. Review status: criteria provided, single submitter. Criteria: GeneDx Variant Classification (06012015). Collection method: clinical testing. Allele origin: germline. Affected: yes.
Comment: A novel c.149_151dupGCT variant that is likely pathogenic has been identified in the MPZ gene. The c.149_151dupGCT variant has not been published as a pathogenic variant, nor has it been reported as a benign variant to our knowledge. It was not observed in approximately 6,500 individuals of European and African American ancestry in the NHLBI Exome Sequencing Project, indicating it is not a common benign variant in these populations. The c.149_151dupGCT variant results in an in-frame duplication of a single Cysteine residue, denoted p.Cys50dup. This variant occurs at a conserved position predicted to be within the extracellular immunoglobulin-like domain of the MPZ protein (Lee et al., 2010). In silico analysis predicts this variant is probably damaging to the protein structure/function. Therefore, this variant is likely pathogenic; however, the possibility that it is benign cannot be excluded.

NM_000530.8(MPZ):c.149_151dup (p.Cys50dup)

Gene: MPZ (myelin protein zero; minus strand). Cytogenetic location: 1q23.3.
Variant type: Duplication.
Coding change: c.149_151dup on transcript NM_000530.8 (MANE Select); coding-DNA positions 149 to 151, 3 bases duplicated (GCT; older notation c.149_151dupGCT).
Protein change: p.Cys50dup; duplicates cysteine 50.
Molecular consequence: inframe insertion.
Genome position (GRCh38, 1-based): chr1:161,307,341-161,307,343, AGC duplicated on the plus strand (GCT on the coding strand, the reverse complement: MPZ is on the minus strand); duplicating any 3 consecutive bases within chr1:161,307,341-161,307,345 gives the same sequence; the c. name uses the placement nearest the transcript's 3' end. VCF-style (leftmost placement, unchanged base first): chr1-161307340-G-GAGC. GRCh37 (hg19) VCF-style: chr1-161277130-G-GAGC.
Other names: c.149_151dup (LRG_256t1); c.149_151dup, p.Cys50dup (NM_001315491.2).
Identifiers: ClinVar variation 422079 (VCV000422079.2), dbSNP rs1553259792, ClinGen allele CA16617015.
Genomic context (GRCh38, chr1:161,307,340, plus strand): 5'-TCGGGCTGGTAGCGCCAGGTGAAGGAGATGTCATCTGAGACCCACTCACTGGACCAGAAG[G>GAGC]AGCAGTGCAGGGTCACCCGGGAGCCCACAGCACCATGGACCTCCCTGTCGGTGTAAACCA-3'